The following is an entry in ClinVar:

NM_000400.4(ERCC2):c.2006_2007insA (p.Lys671fs)

Gene: ERCC2 (ERCC excision repair 2, TFIIH core complex helicase subunit; minus strand). Cytogenetic location: 19q13.32.
Variant type: Insertion.
Coding change: c.2006_2007insA on transcript NM_000400.4 (MANE Select); coding-DNA positions 2006 to 2007, A inserted.
Protein change: p.Lys671fs; shifts the reading frame from lysine 671.
Molecular consequence: frameshift variant.
Genome position: GRCh38 VCF-style: chr19-45352545-C-CT. GRCh37 (hg19) VCF-style: chr19-45855803-C-CT.
Other names: short protein forms K671fs.
Identifiers: ClinVar variation 1028729 (VCV001028729.10), dbSNP rs1971844960, ClinGen allele CA2338388886.

ClinVar aggregate classification (germline): Conflicting classifications of pathogenicity. Review status: criteria provided, conflicting classifications (1 of 4 stars). 6 submissions from 5 submitters: Pathogenic (3); Likely pathogenic (2); Uncertain significance (1). Last evaluated 2026-02-11.

Conditions:
Xeroderma pigmentosum, group D (XPD). Also called: XERODERMA PIGMENTOSUM, COMPLEMENTATION GROUP D; ERCC2-Related Xeroderma Pigmentosum; XERODERMA PIGMENTOSUM IV; XP, GROUP D; XP, GROUP H. Identifiers: MedGen C0268138, MONDO:0010212, OMIM 278730.
Cerebrooculofacioskeletal syndrome 2 (COFS2). Identifiers: MedGen C1853102, MONDO:0012553, OMIM 610756.
ERCC2-related disorder. Also called: ERCC2-related disorders; ERCC2-related conditions; ERCC2-related condition. Identifiers: MedGen CN239291.
Trichothiodystrophy 1, photosensitive (TTD1). Also called: TAY SYNDROME; TRICHOTHIODYSTROPHY WITH CONGENITAL ICHTHYOSIS; PIBIDS SYNDROME. Identifiers: Orphanet 33364, MedGen C1866504, MONDO:0011125, OMIM 601675.

Allele frequency attached by ClinVar (database versions not stated): gnomAD exomes below 0.00001.

Submissions (6):

Myriad Genetics, Inc.
Classification: Likely pathogenic for ERCC2-related disorder. Last evaluated: 2026-02-11. Review status: criteria provided, single submitter. Criteria: Myriad Autosomal Dominant, Autosomal Recessive and X-Linked Classification Criteria (2023). Collection method: clinical testing. Allele origin: unknown.
Comment: NM_000400.3(ERCC2):c.2006_2007insA(K671Qfs*103) is a readthrough frameshift variant classified as likely pathogenic in the context of ERCC2-related disorders. K671Qfs*103 has not been observed in cases with relevant disease. Relevant functional assessments of this variant are not available in the literature. Internal structural analysis of the variant is supportive of pathogenicity. K671Qfs*103 has not been observed in referenced population frequency databases. Please note: this variant was assessed in the context of healthy population screening.

Fulgent Genetics
Classification: Likely pathogenic for Xeroderma pigmentosum, group D; Trichothiodystrophy 1, photosensitive; Cerebrooculofacioskeletal syndrome 2. Last evaluated: 2024-04-07. Review status: criteria provided, single submitter. Criteria: ACMG Guidelines, 2015. Collection method: clinical testing. Allele origin: germline.

Baylor Genetics
Classification: Pathogenic for Cerebrooculofacioskeletal syndrome 2. Last evaluated: 2023-10-07. Review status: criteria provided, single submitter. Criteria: ACMG Guidelines, 2015. Collection method: clinical testing. Allele origin: unknown.

Labcorp Genetics (formerly Invitae), Labcorp
Classification: Pathogenic. Last evaluated: 2023-09-17. Review status: criteria provided, single submitter. Criteria: Invitae Variant Classification Sherloc (09022015). Collection method: clinical testing. Allele origin: germline.
Comment: This sequence change results in a frameshift in the ERCC2 gene (p.Lys671Glnfs*103). While this is not anticipated to result in nonsense mediated decay, it is expected to disrupt the last 90 amino acid(s) of the ERCC2 protein and extend the protein by 12 additional amino acid residues. This variant is not present in population databases (gnomAD no frequency). This variant has not been reported in the literature in individuals affected with ERCC2-related conditions. ClinVar contains an entry for this variant (Variation ID: 1028729). This variant disrupts a region of the ERCC2 protein in which other variant(s) (p.Arg722Trp) have been determined to be pathogenic (PMID: 31282071, 31803976). This suggests that this is a clinically significant region of the protein, and that variants that disrupt it are likely to be disease-causing. For these reasons, this variant has been classified as Pathogenic.

Blueprint Genetics
Classification: Uncertain significance. Last evaluated: 2021-02-11. Review status: criteria provided, single submitter. Criteria: ACMG Guidelines, 2015. Collection method: clinical testing. Allele origin: germline.

Baylor Genetics
Classification: Pathogenic for Xeroderma pigmentosum, group D. Last evaluated: 2019-07-17. Review status: criteria provided, single submitter. Criteria: ACMG Guidelines, 2015. Collection method: clinical testing. Allele origin: unknown. Affected: yes.
Comment: This variant was determined to be pathogenic according to ACMG Guidelines, 2015 [PMID:25741868].

Literature cited by the submitters: PubMed 31282071 (cited by Labcorp Genetics (formerly Invitae), Labcorp); PubMed 31803976 (cited by Labcorp Genetics (formerly Invitae), Labcorp).